The following is an entry in ClinVar:

ClinVar aggregate classification (germline): Uncertain significance. Review status: criteria provided, multiple submitters, no conflicts (2 of 4 stars). 2 submissions from 2 submitters: Uncertain significance (2). Last evaluated 2024-01-16.

Conditions:
Spermatogenic failure 18. Identifiers: MedGen C4539783, MONDO:0054615, OMIM 617576.
Ciliary dyskinesia, primary, 37 (CILD37). Also called: CILIARY DYSKINESIA, PRIMARY, 37, WITH OR WITHOUT SITUS INVERSUS. Identifiers: MedGen C4539798, MONDO:0033204, OMIM 617577.

Allele frequency attached by ClinVar (database versions not stated): ExAC 0.00004; gnomAD 0.00004 and 0.00005; gnomAD exomes 0.00005; TOPMed 0.00005; ESP Exome Variant Server 0.00008.
gnomAD v4.1: 79 of 1,613,870 alleles (0.0049%); highest among the groups gnomAD compares: Admixed American, 0.0083%; no homozygotes.

Submissions (2):

Ambry Genetics
Classification: Uncertain significance. Last evaluated: 2024-01-16. Review status: criteria provided, single submitter. Criteria: Ambry Variant Classification Scheme 2023. Collection method: clinical testing. Allele origin: germline.

Labcorp Genetics (formerly Invitae), Labcorp
Classification: Uncertain significance for Ciliary dyskinesia, primary, 37; Spermatogenic failure 18. Last evaluated: 2022-10-03. Review status: criteria provided, single submitter. Criteria: Invitae Variant Classification Sherloc (09022015). Collection method: clinical testing. Allele origin: germline.
Comment: In summary, the available evidence is currently insufficient to determine the role of this variant in disease. Therefore, it has been classified as a Variant of Uncertain Significance. Advanced modeling of protein sequence and biophysical properties (such as structural, functional, and spatial information, amino acid conservation, physicochemical variation, residue mobility, and thermodynamic stability) performed at Invitae indicates that this missense variant is not expected to disrupt DNAH1 protein function. ClinVar contains an entry for this variant (Variation ID: 1370161). This missense change has been observed in individual(s) with clinical features of primary ciliary dyskinesia (Invitae). This variant is present in population databases (rs369084832, gnomAD 0.01%). This sequence change replaces proline, which is neutral and non-polar, with leucine, which is neutral and non-polar, at codon 1190 of the DNAH1 protein (p.Pro1190Leu).

NM_015512.5(DNAH1):c.3569C>T (p.Pro1190Leu)

Gene: DNAH1 (dynein axonemal heavy chain 1; plus strand). Cytogenetic location: 3p21.1.
Variant type: single nucleotide variant.
Coding change: c.3569C>T on transcript NM_015512.5 (MANE Select); coding-DNA position 3569, C replaced by T.
Protein change: p.Pro1190Leu; replaces proline 1190 with leucine.
Molecular consequence: missense variant.
Genome position (GRCh38, 1-based): chr3:52,354,931, C>T. VCF-style: chr3-52354931-C-T. GRCh37 (hg19) VCF-style: chr3-52388947-C-T.
Other names: c.3569C>T (NM_015512.4); short protein forms P1190L.
Identifiers: ClinVar variation 1370161 (VCV001370161.8), dbSNP rs369084832, ClinGen allele CA2433611.
Genomic context (GRCh38, chr3:52,354,931, plus strand): 5'-CGACCATCCTGTTCAATGTACTGCCCTACAAGGCGACAGACACCTACATCCTGAAGAGCC[C>T]GGACGAGGCCTCACAGCTGCTGGACGACCACATCGTCATGACCCAGAATATGTCATTTTC-3'
Protein context (NP_056327.4, residues 1180-1200): KATDTYILKS[Pro1190Leu]DEASQLLDDH